The following is an entry in ClinVar:

ClinVar aggregate classification (germline): Uncertain significance (1 of 4 stars; one submission).

gnomAD v4.1: 2 of 1,613,978 alleles (0.00012%); highest among the groups gnomAD compares: Non-Finnish European, 0.00017%; no homozygotes.

Submission:

Labcorp Genetics (formerly Invitae), Labcorp
Classification: Uncertain significance. Last evaluated: 2022-04-24. Review status: criteria provided, single submitter. Criteria: Invitae Variant Classification Sherloc (09022015). Collection method: clinical testing. Allele origin: germline.
Comment: This sequence change replaces tryptophan, which is neutral and slightly polar, with serine, which is neutral and polar, at codon 202 of the OPN1SW protein (p.Trp202Ser). In summary, the available evidence is currently insufficient to determine the role of this variant in disease. Therefore, it has been classified as a Variant of Uncertain Significance. Algorithms developed to predict the effect of missense changes on protein structure and function are either unavailable or do not agree on the potential impact of this missense change (SIFT: "Deleterious"; PolyPhen-2: "Benign"; Align-GVGD: "Class C35"). This variant has not been reported in the literature in individuals affected with OPN1SW-related conditions. This variant is not present in population databases (gnomAD no frequency).

NM_001385125.1(OPN1SW):c.596G>C (p.Trp199Ser)

Gene: OPN1SW (opsin 1, short wave sensitive; minus strand). Cytogenetic location: 7q32.1.
Variant type: single nucleotide variant.
Coding change: c.596G>C on transcript NM_001385125.1 (MANE Select); coding-DNA position 596, G replaced by C.
Protein change: p.Trp199Ser; replaces tryptophan 199 with serine.
Molecular consequence: missense variant.
Genome position (GRCh38, 1-based): chr7:128,774,580, C>G on the plus strand (G>C on the coding strand, the complement: OPN1SW is on the minus strand). VCF-style: chr7-128774580-C-G. GRCh37 (hg19) VCF-style: chr7-128414634-C-G.
Other names: short protein forms W199S.
Identifiers: ClinVar variation 2067976 (VCV002067976.4), dbSNP rs200180187, ClinGen allele CA369218747.